The following is an entry in ClinVar:

ClinVar aggregate classification (germline): Pathogenic (1 of 4 stars; one submission).

Conditions:
Familial thoracic aortic aneurysm and aortic dissection (TAAD). Also called: Thoracic aortic aneurysms and dissections. Identifiers: Orphanet 91387, MedGen C4707243, MONDO:0019625.
Marfan syndrome (MFS). Also called: FBN1-Related Marfan Syndrome; Marfan syndrome type 1; Marfan's syndrome; Marfan syndrome, classic; MARFAN SYNDROME, TYPE I. Identifiers: Orphanet 284963, Orphanet 558, MedGen C0024796, MONDO:0007947, OMIM 154700.

Submission:

Labcorp Genetics (formerly Invitae), Labcorp
Classification: Pathogenic for Marfan syndrome; Familial thoracic aortic aneurysm and aortic dissection. Last evaluated: 2018-07-13. Review status: criteria provided, single submitter. Criteria: Invitae Variant Classification Sherloc (09022015). Collection method: clinical testing. Allele origin: germline.
Comment: Loss-of-function variants in FBN1 are known to be pathogenic (PMID: 17657824, 19293843). For these reasons, this variant has been classified as Pathogenic. This variant has not been reported in the literature in individuals with FBN1-related disease. This variant is not present in population databases (ExAC no frequency). This sequence change creates a premature translational stop signal (p.Ser2654Leufs*28) in the FBN1 gene. It is expected to result in an absent or disrupted protein product.

Literature cited by the submitters: PubMed 17657824; PubMed 19293843.

NM_000138.5(FBN1):c.7959del (p.Ser2654fs)

Gene: FBN1 (fibrillin 1; minus strand). Cytogenetic location: 15q21.1.
Variant type: Deletion.
Coding change: c.7959del on transcript NM_000138.5 (MANE Select); coding-DNA position 7959, one base deleted (C; older notation c.7959delC).
Protein change: p.Ser2654fs; shifts the reading frame from serine 2654.
Molecular consequence: frameshift variant.
Genome position (GRCh38, 1-based): chr15:48,415,628, G deleted on the plus strand (C on the coding strand, the reverse complement: FBN1 is on the minus strand). VCF-style (leftmost placement, unchanged base first): chr15-48415627-AG-A. GRCh37 (hg19) VCF-style: chr15-48707824-AG-A.
Other names: c.7959delC (NM_000138.4); short protein forms S2654fs.
Identifiers: ClinVar variation 653418 (VCV000653418.6), dbSNP rs1597509674, ClinGen allele CA915946624.